The following is an entry in ClinVar:

ClinVar aggregate classification (germline): Uncertain significance (1 of 4 stars; one submission).

Submission:

GeneDx
Classification: Uncertain significance. Last evaluated: 2020-01-02. Review status: criteria provided, single submitter. Criteria: GeneDx Variant Classification Process June 2021. Collection method: clinical testing. Allele origin: germline. Affected: yes.
Comment: Nonsense variant predicted to result in protein truncation or nonsense mediated decay in a gene for which loss-of-function is not a known mechanism of disease; Not observed in large population cohorts (Lek et al., 2016); Has not been previously published as pathogenic or benign to our knowledge

NM_004958.4(MTOR):c.699G>A (p.Trp233Ter)

Gene: MTOR (mechanistic target of rapamycin kinase; minus strand). Cytogenetic location: 1p36.22.
Variant type: single nucleotide variant.
Coding change: c.699G>A on transcript NM_004958.4 (MANE Select); coding-DNA position 699, G replaced by A.
Protein change: p.Trp233Ter; replaces tryptophan 233 with a stop codon.
Molecular consequence: nonsense. On other transcripts: 5 prime UTR variant (1).
Genome position (GRCh38, 1-based): chr1:11,255,998, C>T on the plus strand (G>A on the coding strand, the complement: MTOR is on the minus strand). VCF-style: chr1-11255998-C-T. GRCh37 (hg19) VCF-style: chr1-11316055-C-T.
Other names: c.699G>A, p.Trp233Ter (NM_001386500.1); c.-441G>A (NM_001386501.1); short protein forms W233*.
Identifiers: ClinVar variation 1310634 (VCV001310634.2), dbSNP rs1306389306, ClinGen allele CA338402626.